The following is an entry in ClinVar:

ClinVar aggregate classification (germline): Uncertain significance. Review status: criteria provided, multiple submitters, no conflicts (2 of 4 stars). 2 submissions from 2 submitters: Uncertain significance (2). Last evaluated 2023-11-07.

Conditions:
Hereditary cancer-predisposing syndrome. Also called: Hereditary neoplastic syndrome; Neoplastic Syndromes, Hereditary; Hereditary Cancer Syndrome; Tumor predisposition. Identifiers: Orphanet 140162, MedGen C0027672, MeSH D009386, MONDO:0015356.
Familial cancer of breast. Also called: BREAST CANCER, FAMILIAL; Hereditary breast cancer; hereditary breast carcinoma. Identifiers: Orphanet 227535, MedGen C0346153, MONDO:0016419, OMIM 114480. Disease mechanism: loss of function.

Submissions (2):

Labcorp Genetics (formerly Invitae), Labcorp
Classification: Uncertain significance for Familial cancer of breast. Last evaluated: 2023-11-07. Review status: criteria provided, single submitter. Criteria: Invitae Variant Classification Sherloc (09022015). Collection method: clinical testing. Allele origin: germline.
Comment: This sequence change replaces valine, which is neutral and non-polar, with alanine, which is neutral and non-polar, at codon 755 of the BARD1 protein (p.Val755Ala). This variant is not present in population databases (gnomAD no frequency). This variant has not been reported in the literature in individuals affected with BARD1-related conditions. ClinVar contains an entry for this variant (Variation ID: 530080). An algorithm developed to predict the effect of missense changes on protein structure and function (PolyPhen-2) suggests that this variant is likely to be disruptive. In summary, the available evidence is currently insufficient to determine the role of this variant in disease. Therefore, it has been classified as a Variant of Uncertain Significance.

Ambry Genetics
Classification: Uncertain significance for Hereditary cancer-predisposing syndrome. Last evaluated: 2020-01-31. Review status: criteria provided, single submitter. Criteria: Ambry Variant Classification Scheme 2023. Collection method: clinical testing. Allele origin: germline.
Comment: The p.V755A variant (also known as c.2264T>C), located in coding exon 11 of the BARD1 gene, results from a T to C substitution at nucleotide position 2264. The valine at codon 755 is replaced by alanine, an amino acid with similar properties. This amino acid position is highly conserved in available vertebrate species. In addition, the in silico prediction for this alteration is inconclusive. Since supporting evidence is limited at this time, the clinical significance of this alteration remains unclear.

NM_000465.4(BARD1):c.2264T>C (p.Val755Ala)

Gene: BARD1 (BRCA1 associated RING domain 1; minus strand). Cytogenetic location: 2q35.
Variant type: single nucleotide variant.
Coding change: c.2264T>C on transcript NM_000465.4 (MANE Select); coding-DNA position 2264, T replaced by C.
Protein change: p.Val755Ala; replaces valine 755 with alanine.
Molecular consequence: missense variant. On other transcripts: non-coding transcript variant (3).
Genome position (GRCh38, 1-based): chr2:214,728,746, A>G on the plus strand (T>C on the coding strand, the complement: BARD1 is on the minus strand). VCF-style: chr2-214728746-A-G. GRCh37 (hg19) VCF-style: chr2-215593470-A-G.
Other names: c.2207T>C, p.Val736Ala (NM_001282543.2); c.911T>C, p.Val304Ala (NM_001282545.2); c.854T>C, p.Val285Ala (NM_001282548.2); c.725T>C, p.Val242Ala (NM_001282549.2); short protein forms V755A, V304A, V242A, V285A, V736A.
Identifiers: ClinVar variation 530080 (VCV000530080.12), dbSNP rs1553612049, ClinGen allele CA350449964.